The following is an entry in ClinVar:

NM_014425.5(INVS):c.2193C>T (p.Gly731=)

Gene: INVS (inversin; plus strand). Cytogenetic location: 9q31.1.
Variant type: single nucleotide variant.
Coding change: c.2193C>T on transcript NM_014425.5 (MANE Select); coding-DNA position 2193, C replaced by T.
Protein change: p.Gly731=; no amino-acid change (glycine 731 retained).
Molecular consequence: synonymous variant. On other transcripts: non-coding transcript variant (1).
Genome position (GRCh38, 1-based): chr9:100,292,450, C>T. VCF-style: chr9-100292450-C-T. GRCh37 (hg19) VCF-style: chr9-103054732-C-T.
Other names: p.Gly731=; c.1905C>T, p.Gly635= (NM_001318381.2); c.1215C>T, p.Gly405= (NM_001318382.2).
Identifiers: ClinVar variation 287112 (VCV000287112.25), dbSNP rs148758887, ClinGen allele CA5158578.

ClinVar aggregate classification (germline): Benign/Likely benign. Review status: criteria provided, multiple submitters, no conflicts (2 of 4 stars). 7 submissions from 7 submitters: Benign (2); Likely benign (5). Last evaluated 2026-01-23.

Conditions:
Infantile nephronophthisis (NPHP2). Also called: Nephronophthisis 2; Nephronophthisis 2, infantile. Identifiers: Orphanet 655, Orphanet 93591, MedGen C1865872, MONDO:0011190, OMIM 602088.
Nephronophthisis. Also called: Juvenile Nephronophthisis. Identifiers: Orphanet 655, MedGen C0687120, MONDO:0019005, HP:0000090.

Allele frequency attached by ClinVar (database versions not stated): gnomAD 0.00158 and 0.00147; TOPMed 0.00161; ESP Exome Variant Server 0.00185; gnomAD exomes 0.00016 and 0.00045; ExAC 0.00054; 1000 Genomes Project 30x 0.00109; 1000 Genomes Project 0.00120.
gnomAD v4.1: 456 of 1,614,104 alleles (0.028%); highest among the groups gnomAD compares: African/African-American, 0.5%; 1 homozygote.

Submissions (7):

Labcorp Genetics (formerly Invitae), Labcorp
Classification: Benign for Nephronophthisis. Last evaluated: 2026-01-23. Review status: criteria provided, single submitter. Criteria: Invitae Variant Classification Sherloc (09022015). Collection method: clinical testing. Allele origin: germline.

Blueprint Genetics
Classification: Likely benign. Last evaluated: 2024-09-11. Review status: criteria provided, single submitter. Criteria: ACMG Guidelines, 2015. Collection method: clinical testing. Allele origin: germline.

Mayo Clinic Laboratories, Mayo Clinic
Classification: Benign. Last evaluated: 2024-04-09. Review status: criteria provided, single submitter. Criteria: ACMG Guidelines, 2015. Collection method: clinical testing. Allele origin: germline. Observed: 2 variant alleles.
Comment: BA1, BP4, BP7

Genetic Services Laboratory, University of Chicago
Classification: Likely benign. Last evaluated: 2021-06-28. Review status: criteria provided, single submitter. Criteria: ACMG Guidelines, 2015. Collection method: clinical testing. Allele origin: germline. Affected: no.

Illumina Laboratory Services, Illumina
Classification: Likely benign for Infantile nephronophthisis. Last evaluated: 2018-01-13. Review status: criteria provided, single submitter. Criteria: ICSL Variant Classification Criteria 13 December 2019. Collection method: clinical testing. Allele origin: germline.
Comment: This variant was observed in the ICSL laboratory as part of a predisposition screen in an ostensibly healthy population. It had not been previously curated by ICSL or reported in the Human Gene Mutation Database (HGMD: prior to June 1st, 2018), and was therefore a candidate for classification through an automated scoring system. Utilizing variant allele frequency, disease prevalence and penetrance estimates, and inheritance mode, an automated score was calculated to assess if this variant is too frequent to cause the disease. Based on the score and internal cut-off values, a variant classified as likely benign is not then subjected to further curation. The score for this variant resulted in a classification of likely benign for this disease.

Eurofins Ntd Llc (ga)
Classification: Likely benign. Last evaluated: 2016-03-23. Review status: criteria provided, single submitter. Criteria: EGL Classification Definitions 2015. Collection method: clinical testing. Allele origin: germline. Observed: 1 variant allele, 1 heterozygote.

Breakthrough Genomics
Classification: Likely benign. Review status: criteria provided, single submitter. Criteria: ACMG Guidelines, 2015. Collection method: not provided. Allele origin: germline. Inheritance: Autosomal recessive inheritance. Affected: yes.